The following is an entry in ClinVar:

NM_018896.5(CACNA1G):c.6485C>A (p.Pro2162His)

Gene: CACNA1G (calcium voltage-gated channel subunit alpha1 G; plus strand). Cytogenetic location: 17q21.33.
Variant type: single nucleotide variant.
Coding change: c.6485C>A on transcript NM_018896.5 (MANE Select); coding-DNA position 6485, C replaced by A.
Protein change: p.Pro2162His; replaces proline 2162 with histidine.
Molecular consequence: missense variant. On other transcripts: non-coding transcript variant (5), intron variant (3).
Genome position (GRCh38, 1-based): chr17:50,626,102, C>A. VCF-style: chr17-50626102-C-A. GRCh37 (hg19) VCF-style: chr17-48703463-C-A.
Other names: c.6296C>A, p.Pro2099His (NM_001256324.2); c.6227C>A, p.Pro2076His (NM_001256325.2); c.6215C>A, p.Pro2072His (NM_001256326.2); c.6185C>A, p.Pro2062His (NM_001256327.2); c.6131C>A, p.Pro2044His (NM_001256328.2); c.6104C>A, p.Pro2035His (NM_001256329.2, NM_198387.3); c.6071C>A, p.Pro2024His (NM_001256330.2); c.6050C>A, p.Pro2017His (NM_001256331.2); and 18 more; short protein forms P2012H, P2024H, P2099H, P2117H, P2128H, P2151H, P2028H, P2031H.
Identifiers: ClinVar variation 930516 (VCV000930516.3), dbSNP rs2053744294, ClinGen allele CA400236639.

ClinVar aggregate classification (germline): Uncertain significance (1 of 4 stars; one submission).

Conditions:
Spinocerebellar ataxia 42, early-onset, severe, with neurodevelopmental deficits. Identifiers: MedGen C4748120, MONDO:0060758, OMIM 618087.

Submission:

Centre for Mendelian Genomics, University Medical Centre Ljubljana
Classification: Uncertain significance for Spinocerebellar ataxia 42, early-onset, severe, with neurodevelopmental deficits. Last evaluated: 2019-07-26. Review status: criteria provided, single submitter. Criteria: ACMG Guidelines, 2015. Collection method: clinical testing. Allele origin: unknown. Affected: yes.
Comment: This variant was classified as: Uncertain significance. The available evidence on this variant's pathogenicity is insufficient or conflicting. The following ACMG criteria were applied in classifying this variant: PM2.